The following is an entry in ClinVar:

ClinVar aggregate classification (germline): Uncertain significance (1 of 4 stars; one submission).

Conditions:
Congenital contractural arachnodactyly (CCA). Also called: BEALS SYNDROME; Arthrogryposis, distal, type 9; Beals-Hecht syndrome. Identifiers: Orphanet 115, MedGen C0220668, MONDO:0007363, OMIM 121050.

gnomAD v4.1: 5 of 1,614,086 alleles (0.00031%); highest among the groups gnomAD compares: Non-Finnish European, 0.00042%; no homozygotes.

Submission:

Labcorp Genetics (formerly Invitae), Labcorp
Classification: Uncertain significance for Congenital contractural arachnodactyly. Last evaluated: 2025-03-26. Review status: criteria provided, single submitter. Criteria: Invitae Variant Classification Sherloc (09022015). Collection method: clinical testing. Allele origin: germline.
Comment: This sequence change replaces glycine, which is neutral and non-polar, with arginine, which is basic and polar, at codon 428 of the FBN2 protein (p.Gly428Arg). This variant is present in population databases (no rsID available, gnomAD 0.0009%). This variant has not been reported in the literature in individuals affected with FBN2-related conditions. Invitae Evidence Modeling of protein sequence and biophysical properties (such as structural, functional, and spatial information, amino acid conservation, physicochemical variation, residue mobility, and thermodynamic stability) indicates that this missense variant is not expected to disrupt FBN2 protein function with a negative predictive value of 80%. In summary, the available evidence is currently insufficient to determine the role of this variant in disease. Therefore, it has been classified as a Variant of Uncertain Significance.

NM_001999.4(FBN2):c.1282G>A (p.Gly428Arg)

Gene: FBN2 (fibrillin 2; minus strand). Cytogenetic location: 5q23.3.
Variant type: single nucleotide variant.
Coding change: c.1282G>A on transcript NM_001999.4 (MANE Select); coding-DNA position 1282, G replaced by A.
Protein change: p.Gly428Arg; replaces glycine 428 with arginine.
Molecular consequence: missense variant.
Genome position (GRCh38, 1-based): chr5:128,393,318, C>T on the plus strand (G>A on the coding strand, the complement: FBN2 is on the minus strand). VCF-style: chr5-128393318-C-T. GRCh37 (hg19) VCF-style: chr5-127729011-C-T.
Other names: short protein forms G428R.
Identifiers: ClinVar variation 4752483 (VCV004752483.1).